The following is an entry in ClinVar:

ClinVar aggregate classification (germline): Uncertain significance (1 of 4 stars; one submission).

Submission:

GeneDx
Classification: Uncertain significance. Last evaluated: 2019-04-30. Review status: criteria provided, single submitter. Criteria: GeneDx Variant Classification Process June 2021. Collection method: clinical testing. Allele origin: germline. Affected: yes.
Comment: Not observed in large population cohorts (Lek et al., 2016); In silico analysis, which includes protein predictors and evolutionary conservation, supports a deleterious effect; Has not been previously published as pathogenic or benign to our knowledge

NM_000504.4(F10):c.992C>T (p.Pro331Leu)

Genes: F10 (coagulation factor X; plus strand), F10-AS2 (F10 antisense RNA 2; minus strand). Cytogenetic location: 13q34.
Variant type: single nucleotide variant.
Coding change: c.992C>T on transcript NM_000504.4 (MANE Select); coding-DNA position 992, C replaced by T.
Protein change: p.Pro331Leu; replaces proline 331 with leucine.
Molecular consequence: missense variant.
Genome position (GRCh38, 1-based): chr13:113,149,042, C>T. VCF-style: chr13-113149042-C-T. GRCh37 (hg19) VCF-style: chr13-113803356-C-T.
Other names: c.860C>T, p.Pro287Leu (NM_001312674.2); c.982C>T, p.Pro328Ser (NM_001312675.2); short protein forms P287L, P328S, P331L.
Identifiers: ClinVar variation 1305191 (VCV001305191.2), dbSNP rs2138557206, ClinGen allele CA388792450.